The following is an entry in ClinVar:

NM_182746.3(MCM4):c.161C>T (p.Ser54Leu)

Gene: MCM4 (minichromosome maintenance complex component 4; plus strand). Cytogenetic location: 8q11.21.
Variant type: single nucleotide variant.
Coding change: c.161C>T on transcript NM_182746.3 (MANE Select); coding-DNA position 161, C replaced by T.
Protein change: p.Ser54Leu; replaces serine 54 with leucine.
Molecular consequence: missense variant.
Genome position (GRCh38, 1-based): chr8:47,961,606, C>T. VCF-style: chr8-47961606-C-T. GRCh37 (hg19) VCF-style: chr8-48874166-C-T.
Other names: c.161C>T, p.Ser54Leu (NM_005914.4); short protein forms S54L.
Identifiers: ClinVar variation 2811332 (VCV002811332.3), dbSNP rs2551883227, ClinGen allele CA371144916.
Genomic context (GRCh38, chr8:47,961,606, plus strand): 5'-CTCAGAGACGTAGAGGCGAGGATTCCACCTCCACGGGGGAGTTGCAGCCGATGCCAACCT[C>T]GCCTGGAGTGGACCTGCAGAGCCCTGCTGCGCAGGACGTGCTGTTTTCCAGCCCTCCCCA-3'
Protein context (NP_877423.1, residues 44-64): STGELQPMPT[Ser54Leu]PGVDLQSPAA

ClinVar aggregate classification (germline): Uncertain significance (1 of 4 stars; one submission).

Submission:

Labcorp Genetics (formerly Invitae), Labcorp
Classification: Uncertain significance. Last evaluated: 2023-02-27. Review status: criteria provided, single submitter. Criteria: Invitae Variant Classification Sherloc (09022015). Collection method: clinical testing. Allele origin: germline.
Comment: This sequence change replaces serine, which is neutral and polar, with leucine, which is neutral and non-polar, at codon 54 of the MCM4 protein (p.Ser54Leu). This variant is not present in population databases (gnomAD no frequency). This variant has not been reported in the literature in individuals affected with MCM4-related conditions. An algorithm developed to predict the effect of missense changes on protein structure and function (PolyPhen-2) suggests that this variant is likely to be disruptive. In summary, the available evidence is currently insufficient to determine the role of this variant in disease. Therefore, it has been classified as a Variant of Uncertain Significance.